The following is an entry in ClinVar:

NM_000071.3(CBS):c.1626C>T (p.Phe542=)

Gene: CBS (cystathionine beta-synthase; minus strand). Cytogenetic location: 21q22.3.
Variant type: single nucleotide variant.
Coding change: c.1626C>T on transcript NM_000071.3 (MANE Select); coding-DNA position 1626, C replaced by T.
Protein change: p.Phe542=; no amino-acid change (phenylalanine 542 retained).
Molecular consequence: synonymous variant.
Genome position (GRCh38, 1-based): chr21:43,053,910, G>A on the plus strand (C>T on the coding strand, the complement: CBS is on the minus strand). VCF-style: chr21-43053910-G-A. GRCh37 (hg19) VCF-style: chr21-44474020-G-A.
Other names: c.1626C>T, p.Phe542= (NM_001178008.3, NM_001178009.3, NM_001320298.2); c.1311C>T, p.Phe437= (NM_001321072.1).
Identifiers: ClinVar variation 380761 (VCV000380761.14), dbSNP rs758818777, ClinGen allele CA16608075.
Genomic context (GRCh38, chr21:43,053,910, plus strand): 5'-CCCGCTCCGCACCGCCCAGCGCTCCGGACTTCACTTCTGGTCCCGCTCCTGGGCGGCCAC[G>A]AAGTTCAGCAAGTCAATGGCGGTGACCACCCCGAACACCATCTGCCGCTGACTGGACTTC-3'
Protein context (NP_000062.1, residues 532-551): GVVTAIDLLN[Phe542=]VAAQERDQK

ClinVar aggregate classification (germline): Likely benign. Review status: criteria provided, multiple submitters, no conflicts (2 of 4 stars). 4 submissions from 4 submitters: Likely benign (4). Last evaluated 2025-09-08.

Conditions:
Familial thoracic aortic aneurysm and aortic dissection (TAAD). Also called: Thoracic aortic aneurysms and dissections. Identifiers: Orphanet 91387, MedGen C4707243, MONDO:0019625.
HYPERHOMOCYSTEINEMIA, THROMBOTIC, CBS-RELATED. Identifiers: MedGen C3150344, OMIM 236200.

Allele frequency attached by ClinVar (database versions not stated): ExAC 0.00004; gnomAD exomes 0.00006.

Submissions (4):

Labcorp Genetics (formerly Invitae), Labcorp
Classification: Likely benign for HYPERHOMOCYSTEINEMIA, THROMBOTIC, CBS-RELATED. Last evaluated: 2025-09-08. Review status: criteria provided, single submitter. Criteria: Invitae Variant Classification Sherloc (09022015). Collection method: clinical testing. Allele origin: germline.

Blueprint Genetics
Classification: Likely benign. Last evaluated: 2024-06-28. Review status: criteria provided, single submitter. Criteria: ACMG Guidelines, 2015. Collection method: clinical testing. Allele origin: germline.

Ambry Genetics
Classification: Likely benign for Familial thoracic aortic aneurysm and aortic dissection. Last evaluated: 2019-06-29. Review status: criteria provided, single submitter. Criteria: Ambry Variant Classification Scheme 2023. Collection method: clinical testing. Allele origin: germline.

GeneDx
Classification: Likely benign. Last evaluated: 2015-09-30. Review status: criteria provided, single submitter. Criteria: GeneDx Variant Classification (06012015). Collection method: clinical testing. Allele origin: germline. Affected: yes.
Comment: This variant is considered likely benign or benign based on one or more of the following criteria: it is a conservative change, it occurs at a poorly conserved position in the protein, it is predicted to be benign by multiple in silico algorithms, and/or has population frequency not consistent with disease.